The following is an entry in ClinVar:

NM_005204.4(MAP3K8):c.1348G>A (p.Ala450Thr)

Gene: MAP3K8 (mitogen-activated protein kinase kinase kinase 8; plus strand). Cytogenetic location: 10p11.23.
Variant type: single nucleotide variant.
Coding change: c.1348G>A on transcript NM_005204.4 (MANE Select); coding-DNA position 1348, G replaced by A.
Protein change: p.Ala450Thr; replaces alanine 450 with threonine.
Molecular consequence: missense variant.
Genome position (GRCh38, 1-based): chr10:30,460,780, G>A. VCF-style: chr10-30460780-G-A. GRCh37 (hg19) VCF-style: chr10-30749709-G-A.
Other names: c.1348G>A (NM_005204.3); c.1348G>A, p.Ala450Thr (NM_001244134.1, NM_001320961.2); short protein forms A450T.
Identifiers: ClinVar variation 1935451 (VCV001935451.6), dbSNP rs757096437, ClinGen allele CA376433433.

ClinVar aggregate classification (germline): Uncertain significance. Review status: criteria provided, multiple submitters, no conflicts (2 of 4 stars). 2 submissions from 2 submitters: Uncertain significance (2). Last evaluated 2025-06-24.

Allele frequency attached by ClinVar (database versions not stated): gnomAD 0.00001.
gnomAD v4.1: 5 of 1,613,816 alleles (0.00031%); highest among the groups gnomAD compares: Non-Finnish European, 0.00034%; no homozygotes.

Submissions (2):

Ambry Genetics
Classification: Uncertain significance. Last evaluated: 2025-06-24. Review status: criteria provided, single submitter. Criteria: Ambry Variant Classification Scheme 2023. Collection method: clinical testing. Allele origin: germline.

Labcorp Genetics (formerly Invitae), Labcorp
Classification: Uncertain significance. Last evaluated: 2024-09-10. Review status: criteria provided, single submitter. Criteria: Invitae Variant Classification Sherloc (09022015). Collection method: clinical testing. Allele origin: germline.
Comment: This sequence change replaces alanine, which is neutral and non-polar, with threonine, which is neutral and polar, at codon 450 of the MAP3K8 protein (p.Ala450Thr). This variant is present in population databases (no rsID available, gnomAD 0.0009%). This variant has not been reported in the literature in individuals affected with MAP3K8-related conditions. ClinVar contains an entry for this variant (Variation ID: 1935451). An algorithm developed to predict the effect of missense changes on protein structure and function (PolyPhen-2) suggests that this variant is likely to be disruptive. In summary, the available evidence is currently insufficient to determine the role of this variant in disease. Therefore, it has been classified as a Variant of Uncertain Significance.